The following is an entry in ClinVar:

NM_004415.4(DSP):c.3982G>A (p.Glu1328Lys)

Gene: DSP (desmoplakin; plus strand). Cytogenetic location: 6p24.3.
Variant type: single nucleotide variant.
Coding change: c.3982G>A on transcript NM_004415.4 (MANE Select); coding-DNA position 3982, G replaced by A.
Protein change: p.Glu1328Lys; replaces glutamic acid 1328 with lysine.
Molecular consequence: missense variant. On other transcripts: intron variant (1).
Genome position (GRCh38, 1-based): chr6:7,580,172, G>A. VCF-style: chr6-7580172-G-A. GRCh37 (hg19) VCF-style: chr6-7580405-G-A.
Other names: c.3982G>A, p.Glu1328Lys (NM_001319034.2); c.3582+400G>A (NM_001008844.3); short protein forms E1328K.
Identifiers: ClinVar variation 921079 (VCV000921079.12), dbSNP rs746208168, ClinGen allele CA039724.

ClinVar aggregate classification (germline): Conflicting classifications of pathogenicity. Review status: criteria provided, conflicting classifications (1 of 4 stars). 4 submissions from 4 submitters: Uncertain significance (3); Likely benign (1). Last evaluated 2025-09-25.

Conditions:
Arrhythmogenic cardiomyopathy with wooly hair and keratoderma. Also called: PALMOPLANTAR KERATODERMA WITH LEFT VENTRICULAR CARDIOMYOPATHY AND WOOLLY HAIR; Carvajal syndrome; Dilated cardiomyopathy with woolly hair and keratoderma; Arrhythmogenic cardiomyopathy with woolly hair and keratoderma. Identifiers: Orphanet 65282, MedGen C1854063, MONDO:0011581, OMIM 605676.
Arrhythmogenic right ventricular dysplasia 8 (ARVD8). Also called: Arrhythmogenic Right Ventricular Dysplasia/Cardiomyopathy 8; ARRHYTHMOGENIC RIGHT VENTRICULAR DYSPLASIA, FAMILIAL, 8; ARRHYTHMOGENIC RIGHT VENTRICULAR CARDIOMYOPATHY 8. Identifiers: MedGen C1843896, MONDO:0011831, OMIM 607450.
Cardiovascular phenotype. Identifiers: MedGen CN230736.
Cardiomyopathy (CMYO). Also called: Cardiomyopathies. Identifiers: Orphanet 167848, MedGen C0878544, MONDO:0004994, HP:0001638. Inheritance: Various modes of inheritance.

Allele frequency attached by ClinVar (database versions not stated): ExAC 0.00001; TOPMed 0.00001.
gnomAD v4.1: 11 of 1,614,028 alleles (0.00068%); highest among the groups gnomAD compares: South Asian, 0.0055%; no homozygotes.

Submissions (4):

Ambry Genetics
Classification: Uncertain significance for Cardiovascular phenotype. Last evaluated: 2025-09-25. Review status: criteria provided, single submitter. Criteria: Ambry Variant Classification Scheme 2023. Collection method: clinical testing. Allele origin: germline.
Comment: The p.E1328K variant (also known as c.3982G>A), located in coding exon 23 of the DSP gene, results from a G to A substitution at nucleotide position 3982. The glutamic acid at codon 1328 is replaced by lysine, an amino acid with similar properties. This amino acid position is conserved. In addition, the in silico prediction for this alteration is inconclusive. Since supporting evidence is limited at this time, the clinical significance of this alteration remains unclear.

Color Diagnostics, LLC DBA Color Health
Classification: Uncertain significance for Cardiomyopathy. Last evaluated: 2024-03-06. Review status: criteria provided, single submitter. Criteria: ACMG Guidelines, 2015. Collection method: clinical testing. Allele origin: germline.
Comment: This missense variant replaces glutamic acid with lysine at codon 1328 of the DSP protein. Computational prediction suggests that this variant may not impact protein structure and function (internally defined REVEL score threshold <= 0.5, PMID: 27666373). To our knowledge, functional studies have not been reported for this variant. This variant has not been reported in individuals affected with cardiovascular disorders in the literature. This variant has been identified in 6/250752 chromosomes in the general population by the Genome Aggregation Database (gnomAD). The available evidence is insufficient to determine the role of this variant in disease conclusively. Therefore, this variant is classified as a Variant of Uncertain Significance.

All of Us Research Program, National Institutes of Health
Classification: Uncertain significance for Arrhythmogenic cardiomyopathy with wooly hair and keratoderma. Last evaluated: 2024-01-11. Review status: criteria provided, single submitter. Criteria: ACMG Guidelines, 2015. Collection method: clinical testing. Allele origin: germline. Inheritance: Autosomal dominant inheritance. Observed: 2 variant alleles, 2 heterozygotes.
Comment: This missense variant replaces glutamic acid with lysine at codon 1328 of the DSP protein. Computational prediction suggests that this variant may not impact protein structure and function (internally defined REVEL score threshold <= 0.5, PMID: 27666373). To our knowledge, functional studies have not been reported for this variant. This variant has not been reported in individuals affected with cardiovascular disorders in the literature. This variant has been identified in 6/250752 chromosomes in the general population by the Genome Aggregation Database (gnomAD). The available evidence is insufficient to determine the role of this variant in disease conclusively. Therefore, this variant is classified as a Variant of Uncertain Significance.

This study involves interpretation of variants in research participants for the purpose of population health screening. Participant phenotype was not available at the time of variant classification. Additional details can be found in publication PMID: 35346344, PMCID: PMC8962531

Labcorp Genetics (formerly Invitae), Labcorp
Classification: Likely benign for Arrhythmogenic cardiomyopathy with wooly hair and keratoderma; Arrhythmogenic right ventricular dysplasia 8. Last evaluated: 2023-02-21. Review status: criteria provided, single submitter. Criteria: Invitae Variant Classification Sherloc (09022015). Collection method: clinical testing. Allele origin: germline.